The following is an entry in ClinVar:

NM_032043.3(BRIP1):c.3016A>T (p.Asn1006Tyr)

Gene: BRIP1 (BRCA1 interacting DNA helicase 1; minus strand). Cytogenetic location: 17q23.2.
Variant type: single nucleotide variant.
Coding change: c.3016A>T on transcript NM_032043.3 (MANE Select); coding-DNA position 3016, A replaced by T.
Protein change: p.Asn1006Tyr; replaces asparagine 1006 with tyrosine.
Molecular consequence: missense variant.
Genome position (GRCh38, 1-based): chr17:61,684,030, T>A on the plus strand (A>T on the coding strand, the complement: BRIP1 is on the minus strand). VCF-style: chr17-61684030-T-A. GRCh37 (hg19) VCF-style: chr17-59761391-T-A.
Other names: short protein forms N1006Y.
Identifiers: ClinVar variation 1798856 (VCV001798856.2), dbSNP rs2144091212, ClinGen allele CA400479987.

ClinVar aggregate classification (germline): Uncertain significance (1 of 4 stars; one submission).

Conditions:
Hereditary cancer-predisposing syndrome. Also called: Neoplastic Syndromes, Hereditary; Tumor predisposition; Hereditary Cancer Syndrome; Hereditary neoplastic syndrome. Identifiers: Orphanet 140162, MedGen C0027672, MeSH D009386, MONDO:0015356.

Submission:

Ambry Genetics
Classification: Uncertain significance for Hereditary cancer-predisposing syndrome. Last evaluated: 2022-07-02. Review status: criteria provided, single submitter. Criteria: Ambry Variant Classification Scheme 2023. Collection method: clinical testing. Allele origin: germline.
Comment: The p.N1006Y variant (also known as c.3016A>T), located in coding exon 19 of the BRIP1 gene, results from an A to T substitution at nucleotide position 3016. The asparagine at codon 1006 is replaced by tyrosine, an amino acid with dissimilar properties. This amino acid position is conserved. In addition, this alteration is predicted to be tolerated by in silico analysis. Since supporting evidence is limited at this time, the clinical significance of this alteration remains unclear.